The following is an entry in ClinVar:

NM_000322.5(PRPH2):c.823T>C (p.Phe275Leu)

Gene: PRPH2 (peripherin 2; minus strand). Cytogenetic location: 6p21.1.
Variant type: single nucleotide variant.
Coding change: c.823T>C on transcript NM_000322.5 (MANE Select); coding-DNA position 823, T replaced by C.
Protein change: p.Phe275Leu; replaces phenylalanine 275 with leucine.
Molecular consequence: missense variant.
Genome position (GRCh38, 1-based): chr6:42,704,370, A>G on the plus strand (T>C on the coding strand, the complement: PRPH2 is on the minus strand). VCF-style: chr6-42704370-A-G. GRCh37 (hg19) VCF-style: chr6-42672108-A-G.
Other names: short protein forms F275L.
Identifiers: ClinVar variation 1017159 (VCV001017159.10), dbSNP rs1359326125, ClinGen allele CA364134574.

ClinVar aggregate classification (germline): Uncertain significance. Review status: criteria provided, multiple submitters, no conflicts (2 of 4 stars). 3 submissions from 3 submitters: Uncertain significance (3). Last evaluated 2023-08-30.

Conditions:
PRPH2-related disorder. Also called: PRPH2-related disorders; PRPH2-related condition. Identifiers: MedGen CN239395.

Allele frequency attached by ClinVar (database versions not stated): gnomAD exomes below 0.00001; TOPMed below 0.00001.

Submissions (3):

Labcorp Genetics (formerly Invitae), Labcorp
Classification: Uncertain significance for PRPH2-related disorder. Last evaluated: 2023-08-30. Review status: criteria provided, single submitter. Criteria: Invitae Variant Classification Sherloc (09022015). Collection method: clinical testing. Allele origin: germline.
Comment: In summary, the available evidence is currently insufficient to determine the role of this variant in disease. Therefore, it has been classified as a Variant of Uncertain Significance. Advanced modeling of protein sequence and biophysical properties (such as structural, functional, and spatial information, amino acid conservation, physicochemical variation, residue mobility, and thermodynamic stability) performed at Invitae indicates that this missense variant is not expected to disrupt PRPH2 protein function. ClinVar contains an entry for this variant (Variation ID: 1017159). This variant has not been reported in the literature in individuals affected with PRPH2-related conditions. The frequency data for this variant in the population databases is considered unreliable, as metrics indicate poor data quality at this position in the gnomAD database. This sequence change replaces phenylalanine, which is neutral and non-polar, with leucine, which is neutral and non-polar, at codon 275 of the PRPH2 protein (p.Phe275Leu).

GeneDx
Classification: Uncertain significance. Last evaluated: 2023-07-24. Review status: criteria provided, single submitter. Criteria: GeneDx Variant Classification Process June 2021. Collection method: clinical testing. Allele origin: germline. Affected: yes.
Comment: Not observed at a significant frequency in large population cohorts (gnomAD); In silico analysis, which includes protein predictors and evolutionary conservation, supports that this variant does not alter protein structure/function; Has not been previously published as pathogenic or benign to our knowledge

Blueprint Genetics
Classification: Uncertain significance. Last evaluated: 2021-09-28. Review status: criteria provided, single submitter. Criteria: ACMG Guidelines, 2015. Collection method: clinical testing. Allele origin: germline.